The following is an entry in ClinVar:

NM_005159.5(ACTC1):c.1034del (p.Gly345fs)

Genes: ACTC1 (actin alpha cardiac muscle 1; minus strand), GJD2-DT (GJD2 divergent transcript; plus strand). Cytogenetic location: 15q14.
Variant type: Deletion.
Coding change: c.1034del on transcript NM_005159.5 (MANE Select); coding-DNA position 1034, one base deleted (G; older notation c.1034delG).
Protein change: p.Gly345fs; shifts the reading frame from glycine 345.
Molecular consequence: frameshift variant.
Genome position (GRCh38, 1-based): chr15:34,790,512, C deleted on the plus strand (G on the coding strand, the reverse complement: ACTC1 is on the minus strand); the first of 5 consecutive C bases (chr15:34,790,512-34,790,516); deleting any one gives the same sequence. VCF-style (leftmost placement, unchanged base first): chr15-34790511-GC-G. GRCh37 (hg19) VCF-style: chr15-35082712-GC-G.
Other names: short protein forms G345fs.
Identifiers: ClinVar variation 1057954 (VCV001057954.4), dbSNP rs2140429038, ClinGen allele CA2499222892.

ClinVar aggregate classification (germline): Uncertain significance (1 of 4 stars; one submission).

Conditions:
Hypertrophic cardiomyopathy 11. Also called: ACTC1-Related Familial Hypertrophic Cardiomyopathy. Identifiers: MedGen C2677506, MONDO:0012799, OMIM 612098.
Atrial septal defect 5 (ASD5). Identifiers: Orphanet 1478, MedGen C2748552, MONDO:0013011, OMIM 612794.
Dilated cardiomyopathy 1R (CMD1R). Identifiers: Orphanet 154, Orphanet 54260, MedGen C3150681, MONDO:0013261, OMIM 613424.

Submission:

Labcorp Genetics (formerly Invitae), Labcorp
Classification: Uncertain significance for Dilated cardiomyopathy 1R; Hypertrophic cardiomyopathy 11; Atrial septal defect 5. Last evaluated: 2022-08-16. Review status: criteria provided, single submitter. Criteria: Invitae Variant Classification Sherloc (09022015). Collection method: clinical testing. Allele origin: germline.
Comment: This sequence change results in a frameshift in the ACTC1 gene (p.Gly345Alafs*104). While this is not anticipated to result in nonsense mediated decay, it is expected to disrupt the last 33 amino acid(s) of the ACTC1 protein and extend the protein by 70 additional amino acid residues. This variant is not present in population databases (gnomAD no frequency). This variant has not been reported in the literature in individuals affected with ACTC1-related conditions. ClinVar contains an entry for this variant (Variation ID: 1057954). Experimental studies and prediction algorithms are not available or were not evaluated, and the functional significance of this variant is currently unknown. In summary, the available evidence is currently insufficient to determine the role of this variant in disease. Therefore, it has been classified as a Variant of Uncertain Significance.